The following is an entry in ClinVar:

NM_000748.3(CHRNB2):c.737_738dup (p.Leu247fs)

Gene: CHRNB2 (cholinergic receptor nicotinic beta 2 subunit; plus strand). Cytogenetic location: 1q21.3.
Variant type: Microsatellite.
Coding change: c.737_738dup on transcript NM_000748.3 (MANE Select); coding-DNA positions 737 to 738, 2 bases duplicated (TG; older notation c.737_738dupTG).
Protein change: p.Leu247fs; shifts the reading frame from leucine 247.
Molecular consequence: frameshift variant.
Genome position (GRCh38, 1-based): chr1:154,571,560-154,571,561, TG duplicated; duplicating any 2 consecutive bases within chr1:154,571,556-154,571,561 gives the same sequence; the c. name uses the placement nearest the transcript's 3' end. VCF-style (leftmost placement, unchanged base first): chr1-154571555-C-CTG. GRCh37 (hg19) VCF-style: chr1-154544031-C-CTG.
Other names: short protein forms L247fs.
Identifiers: ClinVar variation 3901603 (VCV003901603.2).

ClinVar aggregate classification (germline): Uncertain significance (1 of 4 stars; one submission).

Submission:

GeneDx
Classification: Uncertain significance. Last evaluated: 2025-07-01. Review status: criteria provided, single submitter. Criteria: GeneDx Variant Classification Process June 2021. Collection method: clinical testing. Allele origin: germline. Affected: yes.
Comment: Not observed at significant frequency in large population cohorts (gnomAD); Frameshift variant predicted to result in protein truncation or nonsense mediated decay in a gene or region of a gene for which loss of function is not a well-established mechanism of disease; Has not been previously published as pathogenic or benign to our knowledge